The following is an entry in ClinVar:

NM_001369.3(DNAH5):c.376del (p.Val126fs)

Gene: DNAH5 (dynein axonemal heavy chain 5; minus strand). Cytogenetic location: 5p15.2.
Variant type: Deletion.
Coding change: c.376del on transcript NM_001369.3 (MANE Select); coding-DNA position 376, one base deleted (G; older notation c.376delG).
Protein change: p.Val126fs; shifts the reading frame from valine 126.
Molecular consequence: frameshift variant.
Genome position (GRCh38, 1-based): chr5:13,923,342, C deleted on the plus strand (G on the coding strand, the reverse complement: DNAH5 is on the minus strand); the first of 4 consecutive C bases (chr5:13,923,342-13,923,345); deleting any one gives the same sequence. VCF-style (leftmost placement, unchanged base first): chr5-13923341-AC-A. GRCh37 (hg19) VCF-style: chr5-13923450-AC-A.
Other names: short protein forms V126fs.
Identifiers: ClinVar variation 1070752 (VCV001070752.13), dbSNP rs35129409, ClinGen allele CA2499217684.

ClinVar aggregate classification (germline): Pathogenic/Likely pathogenic. Review status: criteria provided, multiple submitters, no conflicts (2 of 4 stars). 3 submissions from 3 submitters: Pathogenic (2); Likely pathogenic (1). Last evaluated 2025-06-17.

Conditions:
Primary ciliary dyskinesia. Also called: Ciliary dyskinesia. Identifiers: Orphanet 244, MedGen C0008780, MONDO:0016575, HP:0012265.
Primary ciliary dyskinesia 3. Identifiers: Orphanet 244, MedGen C1837618, MONDO:0012085, OMIM 608644.

Submissions (3):

Labcorp Genetics (formerly Invitae), Labcorp
Classification: Pathogenic for Primary ciliary dyskinesia. Last evaluated: 2025-06-17. Review status: criteria provided, single submitter. Criteria: Invitae Variant Classification Sherloc (09022015). Collection method: clinical testing. Allele origin: germline.
Comment: This sequence change creates a premature translational stop signal (p.Val126Tyrfs*23) in the DNAH5 gene. It is expected to result in an absent or disrupted protein product. Loss-of-function variants in DNAH5 are known to be pathogenic (PMID: 11788826, 16627867). This variant is not present in population databases (gnomAD no frequency). This premature translational stop signal has been observed in individual(s) with primary ciliary dyskinesia (PMID: 29363216). ClinVar contains an entry for this variant (Variation ID: 1070752). For these reasons, this variant has been classified as Pathogenic.

Fulgent Genetics
Classification: Pathogenic for Primary ciliary dyskinesia 3. Last evaluated: 2021-12-20. Review status: criteria provided, single submitter. Criteria: ACMG Guidelines, 2015. Collection method: clinical testing. Allele origin: unknown.

GeneDx
Classification: Likely pathogenic. Last evaluated: 2020-07-31. Review status: criteria provided, single submitter. Criteria: GeneDx Variant Classification Process June 2021. Collection method: clinical testing. Allele origin: germline. Affected: yes.
Comment: Frameshift variant predicted to result in protein truncation or nonsense mediated decay in a gene for which loss-of-function is a known mechanism of disease; Not observed in large population cohorts (Lek et al., 2016); This variant is associated with the following publications: (PMID: 29363216, 32622824, 26373788)

Literature cited by the submitters: PubMed 11788826 (cited by Labcorp Genetics (formerly Invitae), Labcorp); PubMed 16627867 (cited by Labcorp Genetics (formerly Invitae), Labcorp); PubMed 29363216 (cited by Labcorp Genetics (formerly Invitae), Labcorp).